The following is an entry in ClinVar:

NM_033380.3(COL4A5):c.1780-3T>C

Gene: COL4A5 (collagen type IV alpha 5 chain; plus strand). Cytogenetic location: Xq22.3.
Variant type: single nucleotide variant.
Coding change: c.1780-3T>C on transcript NM_033380.3 (MANE Select); 3 bases into the intron before coding-DNA position 1780, T replaced by C.
Molecular consequence: intron variant.
Genome position (GRCh38, 1-based): chrX:108,598,699, T>C. VCF-style: chrX-108598699-T-C. GRCh37 (hg19) VCF-style: chrX-107841929-T-C.
Other names: c.1780-3T>C (NM_000495.5).
Identifiers: ClinVar variation 4754983 (VCV004754983.1).

ClinVar aggregate classification (germline): Uncertain significance (1 of 4 stars; one submission).

Submission:

Labcorp Genetics (formerly Invitae), Labcorp
Classification: Uncertain significance. Last evaluated: 2025-12-19. Review status: criteria provided, single submitter. Criteria: Invitae Variant Classification Sherloc (09022015). Collection method: clinical testing. Allele origin: germline.
Comment: This sequence change falls in intron 24 of the COL4A5 gene. It does not directly change the encoded amino acid sequence of the COL4A5 protein. It affects a nucleotide within the consensus splice site. This variant is not present in population databases (gnomAD no frequency). This variant has not been reported in the literature in individuals affected with COL4A5-related conditions. Variants that disrupt the consensus splice site are a relatively common cause of aberrant splicing (PMID: 17576681, 9536098). Algorithms developed to predict the effect of sequence changes on RNA splicing suggest that this variant is not likely to affect RNA splicing. In summary, the available evidence is currently insufficient to determine the role of this variant in disease. Therefore, it has been classified as a Variant of Uncertain Significance.

Literature cited by the submitters: PubMed 17576681; PubMed 9536098.